The following is an entry in ClinVar:

NM_014629.4(ARHGEF10):c.388C>T (p.Pro130Ser)

Gene: ARHGEF10 (Rho guanine nucleotide exchange factor 10; plus strand). Cytogenetic location: 8p23.3.
Variant type: single nucleotide variant.
Coding change: c.388C>T on transcript NM_014629.4 (MANE Select); coding-DNA position 388, C replaced by T.
Protein change: p.Pro130Ser; replaces proline 130 with serine.
Molecular consequence: missense variant.
Genome position (GRCh38, 1-based): chr8:1,860,091, C>T. VCF-style: chr8-1860091-C-T. GRCh37 (hg19) VCF-style: chr8-1808257-C-T.
Other names: c.388C>T, p.Pro130Ser (NM_001308152.2, NM_001308153.3); short protein forms P130S, P154S.
Identifiers: ClinVar variation 3942122 (VCV003942122.2).

ClinVar aggregate classification (germline): Uncertain significance. Review status: criteria provided, multiple submitters, no conflicts (2 of 4 stars). 2 submissions from 2 submitters: Uncertain significance (2). Last evaluated 2025-07-05.

Submissions (2):

Labcorp Genetics (formerly Invitae), Labcorp
Classification: Uncertain significance. Last evaluated: 2025-07-05. Review status: criteria provided, single submitter. Criteria: Invitae Variant Classification Sherloc (09022015). Collection method: clinical testing. Allele origin: germline.
Comment: This sequence change replaces proline, which is neutral and non-polar, with serine, which is neutral and polar, at codon 130 of the ARHGEF10 protein (p.Pro130Ser). This variant is present in population databases (rs764955644, gnomAD 0.007%). This variant has not been reported in the literature in individuals affected with ARHGEF10-related conditions. An algorithm developed to predict the effect of missense changes on protein structure and function (PolyPhen-2) suggests that this variant is likely to be disruptive. In summary, the available evidence is currently insufficient to determine the role of this variant in disease. Therefore, it has been classified as a Variant of Uncertain Significance.

Ambry Genetics
Classification: Uncertain significance. Last evaluated: 2025-03-20. Review status: criteria provided, single submitter. Criteria: Ambry Variant Classification Scheme 2023. Collection method: clinical testing. Allele origin: germline.